The following is an entry in ClinVar:

ClinVar aggregate classification (germline): Likely benign (1 of 4 stars; one submission).

gnomAD v4.1: 1 of 1,614,116 alleles (0.000062%); highest among the groups gnomAD compares: South Asian, 0.0011%; no homozygotes.

Submission:

CeGaT Center for Human Genetics Tuebingen
Classification: Likely benign. Last evaluated: 2024-09-01. Review status: criteria provided, single submitter. Criteria: CeGaT Center For Human Genetics Tuebingen Variant Classification Criteria Version 2. Collection method: clinical testing. Allele origin: germline. Affected: yes. Observed: 1 variant allele.
Comment: IGHMBP2: BP4, BP7

NM_002180.3(IGHMBP2):c.2625A>G (p.Thr875=)

Gene: IGHMBP2 (immunoglobulin mu DNA binding protein 2; plus strand). Cytogenetic location: 11q13.3.
Variant type: single nucleotide variant.
Coding change: c.2625A>G on transcript NM_002180.3 (MANE Select); coding-DNA position 2625, A replaced by G.
Protein change: p.Thr875=; no amino-acid change (threonine 875 retained).
Molecular consequence: synonymous variant.
Genome position (GRCh38, 1-based): chr11:68,938,195, A>G. VCF-style: chr11-68938195-A-G. GRCh37 (hg19) VCF-style: chr11-68705663-A-G.
Identifiers: ClinVar variation 3389662 (VCV003389662.14).
Genomic context (GRCh38, chr11:68,938,195, plus strand): 5'-CCAGGTGTTGTCTTTCCGTTTGCCTGAGTGACGCGGGTCTTCTCCAGGACATCCGGCCAC[A>G]GATCTGCCCACGGAGGAGGACTTTGAGGCCCTGGTTTCTGCCGCCGTTAAGGCTGATAAC-3'
Protein context (NP_002171.2, residues 865-885): KKKKAKGHPA[Thr875=]DLPTEEDFEA